The following is an entry in ClinVar:

ClinVar aggregate classification (germline): Uncertain significance (1 of 4 stars; one submission).

Conditions:
Distal hereditary motor neuropathy type 2. Identifiers: Orphanet 139525, MedGen C3711384, MeSH C580044, MONDO:0015352.

Allele frequency attached by ClinVar (database versions not stated): ExAC 0.00001; gnomAD 0.00001; gnomAD exomes 0.00001.
gnomAD v4.1: 19 of 1,613,546 alleles (0.0012%); highest among the groups gnomAD compares: East Asian, 0.0022%; no homozygotes.

Submission:

Labcorp Genetics (formerly Invitae), Labcorp
Classification: Uncertain significance for Distal hereditary motor neuropathy type 2. Last evaluated: 2024-04-18. Review status: criteria provided, single submitter. Criteria: Invitae Variant Classification Sherloc (09022015). Collection method: clinical testing. Allele origin: germline.
Comment: This sequence change replaces arginine, which is basic and polar, with tryptophan, which is neutral and slightly polar, at codon 824 of the FBXO38 protein (p.Arg824Trp). This variant is present in population databases (rs755084155, gnomAD 0.006%). This variant has not been reported in the literature in individuals affected with FBXO38-related conditions. ClinVar contains an entry for this variant (Variation ID: 953337). An algorithm developed to predict the effect of missense changes on protein structure and function (PolyPhen-2) suggests that this variant is likely to be disruptive. In summary, the available evidence is currently insufficient to determine the role of this variant in disease. Therefore, it has been classified as a Variant of Uncertain Significance.

NM_205836.3(FBXO38):c.2695C>T (p.Arg899Trp)

Gene: FBXO38 (F-box protein 38; plus strand). Cytogenetic location: 5q32.
Variant type: single nucleotide variant.
Coding change: c.2695C>T on transcript NM_205836.3 (MANE Select); coding-DNA position 2695, C replaced by T.
Protein change: p.Arg899Trp; replaces arginine 899 with tryptophan.
Molecular consequence: missense variant.
Genome position (GRCh38, 1-based): chr5:148,433,465, C>T. VCF-style: chr5-148433465-C-T. GRCh37 (hg19) VCF-style: chr5-147813028-C-T.
Other names: c.1960C>T, p.Arg654Trp (NM_001271723.2); c.2470C>T, p.Arg824Trp (NM_030793.5); short protein forms R654W, R824W, R899W.
Identifiers: ClinVar variation 953337 (VCV000953337.11), dbSNP rs755084155, ClinGen allele CA3497575.